The following is an entry in ClinVar:

NM_024503.5(HIVEP3):c.5037C>T (p.Ser1679=)

Gene: HIVEP3 (HIVEP zinc finger 3; minus strand). Cytogenetic location: 1p34.2.
Variant type: single nucleotide variant.
Coding change: c.5037C>T on transcript NM_024503.5 (MANE Select); coding-DNA position 5037, C replaced by T.
Protein change: p.Ser1679=; no amino-acid change (serine 1679 retained).
Molecular consequence: synonymous variant.
Genome position (GRCh38, 1-based): chr1:41,579,761, G>A on the plus strand (C>T on the coding strand, the complement: HIVEP3 is on the minus strand). VCF-style: chr1-41579761-G-A. GRCh37 (hg19) VCF-style: chr1-42045432-G-A.
Other names: c.5037C>T, p.Ser1679= (NM_001127714.3).
Identifiers: ClinVar variation 3044364 (VCV003044364.2), dbSNP rs141095831, ClinGen allele CA797596.

ClinVar aggregate classification (germline): Likely benign (0 of 4 stars; one submission).

Conditions:
HIVEP3-related disorder. Also called: HIVEP3-related condition.

Allele frequency attached by ClinVar (database versions not stated): 1000 Genomes Project 30x 0.00016; ESP Exome Variant Server 0.00038.
gnomAD v4.1: 524 of 1,589,996 alleles (0.033%); highest among the groups gnomAD compares: Middle Eastern, 0.13%; 1 homozygote.

Submission:

PreventionGenetics, part of Exact Sciences
Classification: Likely benign for HIVEP3-related condition. Last evaluated: 2019-05-30. Review status: no assertion criteria provided. Collection method: clinical testing. Allele origin: germline.
Comment: This variant is classified as likely benign based on ACMG/AMP sequence variant interpretation guidelines (Richards et al. 2015 PMID: 25741868, with internal and published modifications).